The following is an entry in ClinVar:

NM_000535.7(PMS2):c.1355G>C (p.Gly452Ala)

Gene: PMS2 (PMS1 homolog 2, mismatch repair system component; minus strand). Cytogenetic location: 7p22.1.
Variant type: single nucleotide variant.
Coding change: c.1355G>C on transcript NM_000535.7 (MANE Select); coding-DNA position 1355, G replaced by C.
Protein change: p.Gly452Ala; replaces glycine 452 with alanine.
Molecular consequence: missense variant. On other transcripts: non-coding transcript variant (1), intron variant (1).
Genome position (GRCh38, 1-based): chr7:5,987,410, C>G on the plus strand (G>C on the coding strand, the complement: PMS2 is on the minus strand). VCF-style: chr7-5987410-C-G. GRCh37 (hg19) VCF-style: chr7-6027041-C-G.
Other names: c.950G>C, p.Gly317Ala (NM_001018040.1, NM_001322003.2, NM_001322004.2 and 17 more transcripts); c.1199G>C, p.Gly400Ala (NM_001322006.2, NM_001406870.1); c.1037G>C, p.Gly346Ala (NM_001322007.2, NM_001322008.2, NM_001406876.1 and 2 more transcripts); c.794G>C, p.Gly265Ala (NM_001322010.2, NM_001406906.1, NM_001406907.1); c.422G>C, p.Gly141Ala (NM_001322011.2, NM_001322012.2); c.782G>C, p.Gly261Ala (NM_001322013.2, NM_001406909.1); c.1355G>C, p.Gly452Ala (NM_001322014.2, NM_001406871.1, NM_001406872.1); c.1046G>C, p.Gly349Ala (NM_001322015.2, NM_001406875.1, NM_001406877.1 and 5 more transcripts); and 13 more; short protein forms G261A, G349A, G396A, G141A, G281A, G294A, G340A, G400A.
Identifiers: ClinVar variation 2730741 (VCV002730741.3), dbSNP rs1490598044, ClinGen allele CA366742269.

ClinVar aggregate classification (germline): Uncertain significance (1 of 4 stars; one submission).

Conditions:
Hereditary nonpolyposis colorectal neoplasms. Identifiers: MedGen C0009405, MeSH D003123.

Submission:

Labcorp Genetics (formerly Invitae), Labcorp
Classification: Uncertain significance for Hereditary nonpolyposis colorectal neoplasms. Last evaluated: 2023-06-27. Review status: criteria provided, single submitter. Criteria: Invitae Variant Classification Sherloc (09022015). Collection method: clinical testing. Allele origin: germline.
Comment: In summary, the available evidence is currently insufficient to determine the role of this variant in disease. Therefore, it has been classified as a Variant of Uncertain Significance. Advanced modeling of protein sequence and biophysical properties (such as structural, functional, and spatial information, amino acid conservation, physicochemical variation, residue mobility, and thermodynamic stability) performed at Invitae indicates that this missense variant is not expected to disrupt PMS2 protein function. This variant has not been reported in the literature in individuals affected with PMS2-related conditions. This variant is not present in population databases (gnomAD no frequency). This sequence change replaces glycine, which is neutral and non-polar, with alanine, which is neutral and non-polar, at codon 452 of the PMS2 protein (p.Gly452Ala).